The following is an entry in ClinVar:

NM_015178.3(RHOBTB2):c.1411G>A (p.Glu471Lys)

Gene: RHOBTB2 (Rho related BTB domain containing 2; plus strand). Cytogenetic location: 8p21.3.
Variant type: single nucleotide variant.
Coding change: c.1411G>A on transcript NM_015178.3 (MANE Select); coding-DNA position 1411, G replaced by A.
Protein change: p.Glu471Lys; replaces glutamic acid 471 with lysine.
Molecular consequence: missense variant.
Genome position (GRCh38, 1-based): chr8:23,007,656, G>A. VCF-style: chr8-23007656-G-A. GRCh37 (hg19) VCF-style: chr8-22865169-G-A.
Other names: c.1477G>A, p.Glu493Lys (NM_001160036.2); c.1432G>A, p.Glu478Lys (NM_001160037.2); c.1411G>A, p.Glu471Lys (NM_001374791.1); short protein forms E471K, E478K, E493K.
Identifiers: ClinVar variation 1189651 (VCV001189651.2), dbSNP rs2128805025, ClinGen allele CA370569038.

ClinVar aggregate classification (germline): Pathogenic (1 of 4 stars; one submission).

Submission:

GeneDx
Classification: Pathogenic. Last evaluated: 2020-04-27. Review status: criteria provided, single submitter. Criteria: GeneDx Variant Classification Process June 2021. Collection method: clinical testing. Allele origin: germline. Affected: yes.
Comment: Not observed in large population cohorts (Lek et al., 2016); In silico analysis, which includes protein predictors and evolutionary conservation, supports that this variant does not alter protein structure/function; Has not been previously published as pathogenic or benign to our knowledge